The following is an entry in ClinVar:

ClinVar aggregate classification (germline): Uncertain significance. Review status: criteria provided, multiple submitters, no conflicts (2 of 4 stars). 2 submissions from 2 submitters: Uncertain significance (2). Last evaluated 2024-05-03.

Conditions:
Acrocallosal syndrome (ACLS). Also called: HALLUX DUPLICATION, POSTAXIAL POLYDACTYLY, AND ABSENCE OF CORPUS CALLOSUM; Schinzel syndrome 1; Absence of corpus callosum with unusual facial appearance, mental deficiency, duplication of the halluces and polydactyly. Identifiers: Orphanet 36, MedGen C0796147, MONDO:0008708, OMIM 200990.
Hydrolethalus syndrome 2 (HLS2). Identifiers: Orphanet 2189, MedGen C3279899, MONDO:0013585, OMIM 614120.
Multiple epiphyseal dysplasia, Al-Gazali type. Also called: Macrocephaly with multiple epiphyseal dysplasia and distinctive facies. Identifiers: Orphanet 166024, MedGen C1846722, MONDO:0011778, OMIM 607131.

Submissions (2):

Fulgent Genetics
Classification: Uncertain significance for Acrocallosal syndrome; Multiple epiphyseal dysplasia, Al-Gazali type; Hydrolethalus syndrome 2. Last evaluated: 2024-05-03. Review status: criteria provided, single submitter. Criteria: ACMG Guidelines, 2015. Collection method: clinical testing. Allele origin: germline.

Labcorp Genetics (formerly Invitae), Labcorp
Classification: Uncertain significance for Acrocallosal syndrome. Last evaluated: 2022-02-23. Review status: criteria provided, single submitter. Criteria: Invitae Variant Classification Sherloc (09022015). Collection method: clinical testing. Allele origin: germline.
Comment: This sequence change replaces arginine, which is basic and polar, with lysine, which is basic and polar, at codon 840 of the KIF7 protein (p.Arg840Lys). This variant is not present in population databases (gnomAD no frequency). This variant has not been reported in the literature in individuals affected with KIF7-related conditions. Algorithms developed to predict the effect of missense changes on protein structure and function output the following: SIFT: "Tolerated"; PolyPhen-2: "Benign"; Align-GVGD: "Class C0". The lysine amino acid residue is found in multiple mammalian species, which suggests that this missense change does not adversely affect protein function. In summary, the available evidence is currently insufficient to determine the role of this variant in disease. Therefore, it has been classified as a Variant of Uncertain Significance.

NM_198525.3(KIF7):c.2519G>A (p.Arg840Lys)

Gene: KIF7 (kinesin family member 7; minus strand). Cytogenetic location: 15q26.1.
Variant type: single nucleotide variant.
Coding change: c.2519G>A on transcript NM_198525.3 (MANE Select); coding-DNA position 2519, G replaced by A.
Protein change: p.Arg840Lys; replaces arginine 840 with lysine.
Molecular consequence: missense variant.
Genome position (GRCh38, 1-based): chr15:89,633,759, C>T on the plus strand (G>A on the coding strand, the complement: KIF7 is on the minus strand). VCF-style: chr15-89633759-C-T. GRCh37 (hg19) VCF-style: chr15-90176990-C-T.
Other names: short protein forms R840K.
Identifiers: ClinVar variation 2198604 (VCV002198604.5), dbSNP rs2505438012, ClinGen allele CA393759720.